The following is an entry in ClinVar:

NM_001105206.3(LAMA4):c.2354-19T>C

Gene: LAMA4 (laminin subunit alpha 4; minus strand). Cytogenetic location: 6q21.
Variant type: single nucleotide variant.
Coding change: c.2354-19T>C on transcript NM_001105206.3 (MANE Select); 19 bases into the intron before coding-DNA position 2354, T replaced by C.
Molecular consequence: intron variant.
Genome position (GRCh38, 1-based): chr6:112,144,952, A>G on the plus strand (T>C on the coding strand, the complement: LAMA4 is on the minus strand). VCF-style: chr6-112144952-A-G. GRCh37 (hg19) VCF-style: chr6-112466154-A-G.
Other names: c.2333-19T>C (LRG_433t2, NM_002290.5, NM_001105207.3).
Identifiers: ClinVar variation 381154 (VCV000381154.4), dbSNP rs192622568, ClinGen allele CA16605008.

ClinVar aggregate classification (germline): Likely benign. Review status: criteria provided, multiple submitters, no conflicts (2 of 4 stars). 2 submissions from 2 submitters: Likely benign (2). Last evaluated 2024-04-17.

Conditions:
Dilated cardiomyopathy 1JJ (CMD1JJ). Identifiers: Orphanet 154, MedGen C3808935, MONDO:0014095, OMIM 615235.

Allele frequency attached by ClinVar (database versions not stated): gnomAD 0.00001 and 0.00003; gnomAD exomes 0.00001 and 0.00005; TOPMed 0.00002; 1000 Genomes Project 0.00020; 1000 Genomes Project 30x 0.00062.
gnomAD v4.1: 78 of 1,601,524 alleles (0.0049%); highest among the groups gnomAD compares: Non-Finnish European, 0.0065%; no homozygotes.

Submissions (2):

Labcorp Genetics (formerly Invitae), Labcorp
Classification: Likely benign for Dilated cardiomyopathy 1JJ. Last evaluated: 2024-04-17. Review status: criteria provided, single submitter. Criteria: Invitae Variant Classification Sherloc (09022015). Collection method: clinical testing. Allele origin: germline.

GeneDx
Classification: Likely benign. Last evaluated: 2015-11-06. Review status: criteria provided, single submitter. Criteria: GeneDx Variant Classification (06012015). Collection method: clinical testing. Allele origin: germline. Affected: yes.
Comment: This variant is considered likely benign or benign based on one or more of the following criteria: it is a conservative change, it occurs at a poorly conserved position in the protein, it is predicted to be benign by multiple in silico algorithms, and/or has population frequency not consistent with disease.